The following is an entry in ClinVar:

NM_000179.3(MSH6):c.1321C>G (p.Leu441Val)

Gene: MSH6 (mutS homolog 6; plus strand). Cytogenetic location: 2p16.3.
Variant type: single nucleotide variant.
Coding change: c.1321C>G on transcript NM_000179.3 (MANE Select); coding-DNA position 1321, C replaced by G.
Protein change: p.Leu441Val; replaces leucine 441 with valine.
Molecular consequence: missense variant.
Genome position (GRCh38, 1-based): chr2:47,799,304, C>G. VCF-style: chr2-47799304-C-G. GRCh37 (hg19) VCF-style: chr2-48026443-C-G.
Other names: c.931C>G, p.Leu311Val (NM_001281492.2); c.415C>G, p.Leu139Val (NM_001281493.2, NM_001281494.2); short protein forms L441V, L311V, L139V.
Identifiers: ClinVar variation 584616 (VCV000584616.12), dbSNP rs1553412749, ClinGen allele CA346744439.

ClinVar aggregate classification (germline): Uncertain significance. Review status: criteria provided, multiple submitters, no conflicts (2 of 4 stars). 3 submissions from 3 submitters: Uncertain significance (3). Last evaluated 2025-01-29.

Conditions:
Hereditary cancer-predisposing syndrome. Also called: Neoplastic Syndromes, Hereditary; Hereditary Cancer Syndrome; Tumor predisposition; Hereditary neoplastic syndrome. Identifiers: Orphanet 140162, MedGen C0027672, MeSH D009386, MONDO:0015356.
Lynch syndrome. Identifiers: Orphanet 144, MedGen C4552100, MONDO:0005835. Disease mechanism: loss of function.
Hereditary nonpolyposis colorectal neoplasms. Identifiers: MedGen C0009405, MeSH D003123.

Submissions (3):

Ambry Genetics
Classification: Uncertain significance for Hereditary cancer-predisposing syndrome. Last evaluated: 2025-01-29. Review status: criteria provided, single submitter. Criteria: Ambry Variant Classification Scheme 2023. Collection method: clinical testing. Allele origin: germline.
Comment: The p.L441V variant (also known as c.1321C>G), located in coding exon 4 of the MSH6 gene, results from a C to G substitution at nucleotide position 1321. The leucine at codon 441 is replaced by valine, an amino acid with highly similar properties. This amino acid position is not well conserved in available vertebrate species. In addition, this alteration is predicted to be tolerated by in silico analysis. Based on the available evidence, the clinical significance of this variant remains unclear.

Labcorp Genetics (formerly Invitae), Labcorp
Classification: Uncertain significance for Hereditary nonpolyposis colorectal neoplasms. Last evaluated: 2024-09-21. Review status: criteria provided, single submitter. Criteria: Invitae Variant Classification Sherloc (09022015). Collection method: clinical testing. Allele origin: germline.
Comment: This sequence change replaces leucine, which is neutral and non-polar, with valine, which is neutral and non-polar, at codon 441 of the MSH6 protein (p.Leu441Val). This variant is not present in population databases (gnomAD no frequency). This missense change has been observed in individual(s) with breast cancer (PMID: 35264596). ClinVar contains an entry for this variant (Variation ID: 584616). Invitae Evidence Modeling of protein sequence and biophysical properties (such as structural, functional, and spatial information, amino acid conservation, physicochemical variation, residue mobility, and thermodynamic stability) indicates that this missense variant is not expected to disrupt MSH6 protein function with a negative predictive value of 95%. In summary, the available evidence is currently insufficient to determine the role of this variant in disease. Therefore, it has been classified as a Variant of Uncertain Significance.

Mendelics
Classification: Uncertain significance for Lynch syndrome. Last evaluated: 2018-07-02. Review status: criteria provided, single submitter. Criteria: Mendelics Assertion Criteria 2017. Collection method: clinical testing. Allele origin: unknown.

Literature cited by the submitters: PubMed 35264596 (cited by Labcorp Genetics (formerly Invitae), Labcorp).